The following is an entry in ClinVar:

NM_000170.3(GLDC):c.2517C>A (p.Tyr839Ter)

Gene: GLDC (glycine decarboxylase; minus strand). Cytogenetic location: 9p24.1.
Variant type: single nucleotide variant.
Coding change: c.2517C>A on transcript NM_000170.3 (MANE Select); coding-DNA position 2517, C replaced by A.
Protein change: p.Tyr839Ter; replaces tyrosine 839 with a stop codon.
Molecular consequence: nonsense.
Genome position (GRCh38, 1-based): chr9:6,550,855, G>T on the plus strand (C>A on the coding strand, the complement: GLDC is on the minus strand). VCF-style: chr9-6550855-G-T. GRCh37 (hg19) VCF-style: chr9-6550855-G-T.
Other names: short protein forms Y839*.
Identifiers: ClinVar variation 983834 (VCV000983834.3), dbSNP rs1817497939, ClinGen allele CA372876126.
Genomic context (GRCh38, chr9:6,550,855, plus strand): 5'-ATACTTGCCTCTTGCACCCCTGAAAAGAATTCTGTAGTGTGTTTCTAATCGCTTGGCCAT[G>T]TAGTTGGCATTTAATATCGCAGTTTCCGTGGCTTGTTTAAGACCCTTGCCTCCCATCATC-3'

ClinVar aggregate classification (germline): Likely pathogenic (1 of 4 stars; one submission).

Conditions:
Glycine encephalopathy. Also called: Non-ketotic hyperglycinemia; Nonketotic hyperglycinemia. Identifiers: Orphanet 407, MedGen C0751748, MONDO:0011612, HP:0008288.

Submission:

Myriad Genetics, Inc.
Classification: Likely pathogenic for Glycine encephalopathy 1. Last evaluated: 2019-02-01. Review status: criteria provided, single submitter. Criteria: Myriad Women's Health Autosomal Recessive and X-Linked Classification Criteria (2019). Collection method: clinical testing. Allele origin: unknown.
Comment: NM_000170.2(GLDC):c.2517C>A(Y839*) is expected to be pathogenic in the context of GLDC-related glycine encephalopathy. This variant is predicted to lead to an abnormal or absent protein product due to the creation of a premature termination codon in GLDC, a gene where loss-of-function variants are known to be pathogenic. Please note: this variant was assessed in the context of healthy population screening.